The following is an entry in ClinVar:

NM_001458.5(FLNC):c.3221G>A (p.Gly1074Asp)

Gene: FLNC (filamin C; plus strand). Cytogenetic location: 7q32.1.
Variant type: single nucleotide variant.
Coding change: c.3221G>A on transcript NM_001458.5 (MANE Select); coding-DNA position 3221, G replaced by A.
Protein change: p.Gly1074Asp; replaces glycine 1074 with aspartic acid.
Molecular consequence: missense variant.
Genome position (GRCh38, 1-based): chr7:128,844,686, G>A. VCF-style: chr7-128844686-G-A. GRCh37 (hg19) VCF-style: chr7-128484740-G-A.
Other names: c.3221G>A, p.Gly1074Asp (NM_001127487.2); short protein forms G1074D.
Identifiers: ClinVar variation 4614202 (VCV004614202.1).

ClinVar aggregate classification (germline): Uncertain significance (1 of 4 stars; one submission).

Conditions:
Cardiovascular phenotype. Identifiers: MedGen CN230736.

gnomAD v4.1: 1 of 1,613,232 alleles (0.000062%); highest among the groups gnomAD compares: Non-Finnish European, 0.000085%; no homozygotes.

Submission:

Ambry Genetics
Classification: Uncertain significance for Cardiovascular phenotype. Last evaluated: 2025-11-24. Review status: criteria provided, single submitter. Criteria: Ambry Variant Classification Scheme 2023. Collection method: clinical testing. Allele origin: germline.
Comment: The p.G1074D variant (also known as c.3221G>A), located in coding exon 21 of the FLNC gene, results from a G to A substitution at nucleotide position 3221. The glycine at codon 1074 is replaced by aspartic acid, an amino acid with similar properties. This amino acid position is conserved. In addition, this alteration is predicted to be deleterious by in silico analysis. Based on the available evidence, the clinical significance of this variant remains unclear.